The following is an entry in ClinVar:

NM_005909.5(MAP1B):c.4778_4779insAG (p.Val1595fs)

Gene: MAP1B (microtubule associated protein 1B; plus strand). Cytogenetic location: 5q13.2.
Variant type: Insertion.
Coding change: c.4778_4779insAG on transcript NM_005909.5 (MANE Select); coding-DNA positions 4778 to 4779, AG inserted.
Protein change: p.Val1595fs; shifts the reading frame from valine 1595.
Molecular consequence: frameshift variant.
Genome position: GRCh38 VCF-style: chr5-72198133-C-CAG. GRCh37 (hg19) VCF-style: chr5-71493960-C-CAG.
Other names: c.4400_4401insAG, p.Val1469fs (NM_001324255.2); short protein forms V1469fs, V1595fs.
Identifiers: ClinVar variation 4531999 (VCV004531999.1).

ClinVar aggregate classification (germline): Pathogenic (1 of 4 stars; one submission).

Conditions:
Periventricular nodular heterotopia 9. Identifiers: MedGen C5394503, MONDO:0030061, OMIM 618918.

Submission:

Victorian Clinical Genetics Services, Murdoch Childrens Research Institute
Classification: Pathogenic for Periventricular nodular heterotopia 9. Last evaluated: 2025-06-25. Review status: criteria provided, single submitter. Criteria: ACMG Guidelines, 2015. Collection method: clinical testing. Allele origin: germline. Affected: yes.
Comment: This variant is classified as Pathogenic. Evidence in support of pathogenic classification: Variant is predicted to cause nonsense-mediated decay (NMD) and loss of protein (premature termination codon is located at least 54 nucleotides upstream of the final exon-exon junction); Variant is absent from gnomAD (v2, v3 and v4); Other NMD-predicted variant(s) comparable to the one identified in this case have very strong previous evidence for pathogenicity (DECIPHER). Additional information: This variant is heterozygous; This gene is associated with autosomal dominant disease; This variant has no previous evidence of pathogenicity; Loss of function is a known mechanism of disease in this gene and is associated with periventricular nodular heterotopia 9 (MIM#618918). The mechanism of missense variants causing deafness, autosomal dominant 83, (MM#619808) is unclear (PMID: 33268592); The condition associated with this gene has incomplete penetrance (OMIM, PMID: 29738522); Variants in this gene are known to have variable expressivity (OMIM, PMID: 29738522).

Literature cited by the submitters: PubMed 29738522; PubMed 33268592.